The following is an entry in ClinVar:

NM_016604.4(KDM3B):c.580+8C>T

Gene: KDM3B (lysine demethylase 3B; plus strand). Cytogenetic location: 5q31.2.
Variant type: single nucleotide variant.
Coding change: c.580+8C>T on transcript NM_016604.4 (MANE Select); 8 bases into the intron after coding-DNA position 580, C replaced by T.
Molecular consequence: intron variant.
Genome position (GRCh38, 1-based): chr5:138,377,833, C>T. VCF-style: chr5-138377833-C-T. GRCh37 (hg19) VCF-style: chr5-137713522-C-T.
Identifiers: ClinVar variation 758204 (VCV000758204.5), dbSNP rs759055511, ClinGen allele CA3428728.

ClinVar aggregate classification (germline): Likely benign. Review status: criteria provided, single submitter (1 of 4 stars). 2 submissions from 2 submitters: Likely benign (1). 1 of the submissions does not count toward it. Last evaluated 2018-07-10.

Conditions:
KDM3B-related disorder. Also called: KDM3B-related condition.

Allele frequency attached by ClinVar (database versions not stated): gnomAD exomes 0.00004; TOPMed 0.00004; ExAC 0.00005.
gnomAD v4.1: 20 of 1,590,788 alleles (0.0013%); highest among the groups gnomAD compares: South Asian, 0.0099%; no homozygotes.

Submissions (2):

Labcorp Genetics (formerly Invitae), Labcorp
Classification: Likely benign. Last evaluated: 2018-07-10. Review status: criteria provided, single submitter. Criteria: Invitae Variant Classification Sherloc (09022015). Collection method: clinical testing. Allele origin: germline.

PreventionGenetics, part of Exact Sciences
Classification: Likely benign for KDM3B-related condition. Last evaluated: 2021-08-10. Review status: no assertion criteria provided. Collection method: clinical testing. Allele origin: germline. Not counted in ClinVar's aggregate classification.
Comment: This variant is classified as likely benign based on ACMG/AMP sequence variant interpretation guidelines (Richards et al. 2015 PMID: 25741868, with internal and published modifications).